The following is an entry in ClinVar:

ClinVar aggregate classification (germline): Uncertain significance (1 of 4 stars; one submission).

Conditions:
Charcot-Marie-Tooth disease type 4. Also called: Charcot-Marie-Tooth disease, type IV; Charcot-Marie-Tooth, Type 4. Identifiers: Orphanet 64749, MedGen C4082197, MONDO:0018995.

Allele frequency attached by ClinVar (database versions not stated): gnomAD exomes below 0.00001.
gnomAD v4.1: 5 of 1,614,054 alleles (0.00031%); highest among the groups gnomAD compares: Non-Finnish European, 0.00042%; no homozygotes.

Submission:

Labcorp Genetics (formerly Invitae), Labcorp
Classification: Uncertain significance for Charcot-Marie-Tooth disease type 4. Last evaluated: 2022-10-05. Review status: criteria provided, single submitter. Criteria: Invitae Variant Classification Sherloc (09022015). Collection method: clinical testing. Allele origin: germline.
Comment: In summary, the available evidence is currently insufficient to determine the role of this variant in disease. Therefore, it has been classified as a Variant of Uncertain Significance. Advanced modeling of protein sequence and biophysical properties (such as structural, functional, and spatial information, amino acid conservation, physicochemical variation, residue mobility, and thermodynamic stability) performed at Invitae indicates that this missense variant is expected to disrupt SBF2 protein function. This variant has not been reported in the literature in individuals affected with SBF2-related conditions. This variant is not present in population databases (gnomAD no frequency). This sequence change replaces proline, which is neutral and non-polar, with alanine, which is neutral and non-polar, at codon 1470 of the SBF2 protein (p.Pro1470Ala).

NM_030962.4(SBF2):c.4408C>G (p.Pro1470Ala)

Genes: SBF2 (SET binding factor 2; minus strand), SBF2-AS1 (SBF2 antisense RNA 1; plus strand). Cytogenetic location: 11p15.4.
Variant type: single nucleotide variant.
Coding change: c.4408C>G on transcript NM_030962.4 (MANE Select); coding-DNA position 4408, C replaced by G.
Protein change: p.Pro1470Ala; replaces proline 1470 with alanine.
Molecular consequence: missense variant. On other transcripts: non-coding transcript variant (1).
Genome position (GRCh38, 1-based): chr11:9,808,035, G>C on the plus strand (C>G on the coding strand, the complement: SBF2 is on the minus strand). VCF-style: chr11-9808035-G-C. GRCh37 (hg19) VCF-style: chr11-9829582-G-C.
Other names: c.4504C>G, p.Pro1502Ala (NM_001386339.1); c.4279C>G, p.Pro1427Ala (NM_001386342.1); short protein forms P1427A, P1470A, P1502A.
Identifiers: ClinVar variation 1999460 (VCV001999460.4), dbSNP rs2133896561, ClinGen allele CA379639366.